The following is an entry in ClinVar:

NM_005273.4(GNB2):c.990C>T (p.Gly330=)

Gene: GNB2 (G protein subunit beta 2; plus strand). Cytogenetic location: 7q22.1.
Variant type: single nucleotide variant.
Coding change: c.990C>T on transcript NM_005273.4 (MANE Select); coding-DNA position 990, C replaced by T.
Protein change: p.Gly330=; no amino-acid change (glycine 330 retained).
Molecular consequence: synonymous variant.
Genome position (GRCh38, 1-based): chr7:100,678,768, C>T. VCF-style: chr7-100678768-C-T. GRCh37 (hg19) VCF-style: chr7-100276391-C-T.
Identifiers: ClinVar variation 5039539 (VCV005039539.1).

ClinVar aggregate classification (germline): Likely benign (1 of 4 stars; one submission).

Submission:

CeGaT Center for Human Genetics Tuebingen
Classification: Likely benign. Last evaluated: 2026-07-01. Review status: criteria provided, single submitter. Criteria: CeGaT Center For Human Genetics Tuebingen Variant Classification Criteria Version 2. Collection method: clinical testing. Allele origin: germline. Affected: yes. Observed: 1 variant allele.
Comment: GNB2: BP4, BP7